The following is an entry in ClinVar:

NM_014795.4(ZEB2):c.115G>C (p.Asp39His)

Gene: ZEB2 (zinc finger E-box binding homeobox 2; minus strand). Cytogenetic location: 2q22.3.
Variant type: single nucleotide variant.
Coding change: c.115G>C on transcript NM_014795.4 (MANE Select); coding-DNA position 115, G replaced by C.
Protein change: p.Asp39His; replaces aspartic acid 39 with histidine.
Molecular consequence: missense variant.
Genome position (GRCh38, 1-based): chr2:144,429,985, C>G on the plus strand (G>C on the coding strand, the complement: ZEB2 is on the minus strand). VCF-style: chr2-144429985-C-G. GRCh37 (hg19) VCF-style: chr2-145187552-C-G.
Other names: c.115G>C, p.Asp39His (NM_001171653.2); short protein forms D39H.
Identifiers: ClinVar variation 4997798 (VCV004997798.1).

ClinVar aggregate classification (germline): Uncertain significance (1 of 4 stars; one submission).

Conditions:
ZEB2-related disorder. Also called: ZEB2-related condition.

Submission:

PreventionGenetics, part of Exact Sciences
Classification: Uncertain significance for ZEB2-related condition. Last evaluated: 2025-01-25. Review status: criteria provided, single submitter. Criteria: ACMG Guidelines, 2015. Collection method: clinical testing. Allele origin: germline.
Comment: The ZEB2 c.115G>C variant is predicted to result in the amino acid substitution p.Asp39His. To our knowledge, this variant has not been reported in the literature or in a large population database (gnomAD), indicating this variant is rare. At this time, the clinical significance of this variant is uncertain due to the absence of conclusive functional and genetic evidence.